The following is an entry in ClinVar:

ClinVar aggregate classification (germline): Likely pathogenic (1 of 4 stars; one submission).

Conditions:
Developmental delay with or without intellectual impairment or behavioral abnormalities. Identifiers: MedGen C5562004, MONDO:0859199, OMIM 619575.

Submission:

Greenwood Genetic Center Diagnostic Laboratories, Greenwood Genetic Center
Classification: Likely pathogenic for Developmental delay with or without intellectual impairment or behavioral abnormalities. Last evaluated: 2023-12-14. Review status: criteria provided, single submitter. Criteria: ACMG Guidelines, 2015. Collection method: clinical testing. Allele origin: germline. Affected: yes.
Comment: PM2, PM6, PP2, PP3

NM_020791.4(TAOK1):c.692T>A (p.Met231Lys)

Gene: TAOK1 (TAO kinase 1; plus strand). Cytogenetic location: 17q11.2.
Variant type: single nucleotide variant.
Coding change: c.692T>A on transcript NM_020791.4 (MANE Select); coding-DNA position 692, T replaced by A.
Protein change: p.Met231Lys; replaces methionine 231 with lysine.
Molecular consequence: missense variant.
Genome position (GRCh38, 1-based): chr17:29,489,700, T>A. VCF-style: chr17-29489700-T-A. GRCh37 (hg19) VCF-style: chr17-27816718-T-A.
Other names: c.692T>A, p.Met231Lys (NM_025142.1); short protein forms M231K.
Identifiers: ClinVar variation 2692505 (VCV002692505.1), dbSNP rs2508226400, ClinGen allele CA399192433.